The following is an entry in ClinVar:

ClinVar aggregate classification (germline): Pathogenic (1 of 4 stars; one submission).

Submission:

GeneDx
Classification: Pathogenic. Last evaluated: 2023-03-09. Review status: criteria provided, single submitter. Criteria: GeneDx Variant Classification Process June 2021. Collection method: clinical testing. Allele origin: germline. Affected: yes.
Comment: Identified in patients with TP63-related ectodermal dysplasia referred for genetic testing at GeneDx and in published literature (Bulkhi et al., 2016); Not observed at significant frequency in large population cohorts (gnomAD); In silico analysis supports that this missense variant has a deleterious effect on protein structure/function; Also known as p.(C308R); This variant is associated with the following publications: (PMID: 31420900, 17224651, 21652629, Bulkhi2016[abstract], 35130400, 22065614)

NM_003722.5(TP63):c.1039T>C (p.Cys347Arg)

Gene: TP63 (tumor protein p63; plus strand). Cytogenetic location: 3q28.
Variant type: single nucleotide variant.
Coding change: c.1039T>C on transcript NM_003722.5 (MANE Select); coding-DNA position 1039, T replaced by C.
Protein change: p.Cys347Arg; replaces cysteine 347 with arginine.
Molecular consequence: missense variant.
Genome position (GRCh38, 1-based): chr3:189,868,626, T>C. VCF-style: chr3-189868626-T-C. GRCh37 (hg19) VCF-style: chr3-189586415-T-C.
Other names: c.1039T>C, p.Cys347Arg (NM_001114978.2, NM_001114979.2, NM_001329144.2 and 1 more transcripts); c.757T>C, p.Cys253Arg (NM_001114980.2, NM_001114981.2, NM_001114982.2 and 2 more transcripts); c.502T>C, p.Cys168Arg (NM_001329146.2, NM_001329150.2); c.1033T>C, p.Cys345Arg (NM_001329964.2); short protein forms C168R, C253R, C345R, C347R.
Identifiers: ClinVar variation 2579607 (VCV002579607.1), dbSNP rs2474613656, ClinGen allele CA355755182.
Genomic context (GRCh38, chr3:189,868,626, plus strand): 5'-ATTCTAATTCCTAGTGGGCAAGTCCTGGGCCGACGCTGCTTTGAGGCCCGGATCTGTGCT[T>C]GCCCAGGAAGAGACAGGAAGGCGGATGAAGATAGCATCAGAAAGCAGCAAGTTTCGGACA-3'
Protein context (NP_003713.3, residues 337-357): RRCFEARICA[Cys347Arg]PGRDRKADED